The following is an entry in ClinVar:

NM_020964.3(EPG5):c.5869+1G>A

Gene: EPG5 (ectopic P-granules 5 autophagy tethering factor; minus strand). Cytogenetic location: 18q12.3.
Variant type: single nucleotide variant.
Coding change: c.5869+1G>A on transcript NM_020964.3 (MANE Select); the canonical splice donor site of the intron after coding-DNA position 5869, G replaced by A.
Molecular consequence: splice donor variant.
Genome position (GRCh38, 1-based): chr18:45,879,012, C>T on the plus strand (G>A on the coding strand, the complement: EPG5 is on the minus strand). VCF-style: chr18-45879012-C-T. GRCh37 (hg19) VCF-style: chr18-43458977-C-T.
Other names: c.5869+1G>A (NM_001410858.1, NM_001410859.1).
Identifiers: ClinVar variation 1175160 (VCV001175160.12), dbSNP rs748670315, ClinGen allele CA8948472.
Genomic context (GRCh38, chr18:45,879,012, plus strand): 5'-TAAATCTCTCTTAATGGAAAGTCCAAACACCTAGCTCCACATCGCATGAGAAGTATATTA[C>T]CTGTTTTCCTGCTGGCAGTTGGGTCTTGGGCCAAACAGGTCATTTCTAAGTCAATCAGCC-3'

ClinVar aggregate classification (germline): Pathogenic. Review status: criteria provided, multiple submitters, no conflicts (2 of 4 stars). 5 submissions from 5 submitters: Pathogenic (3). 2 of the submissions do not count toward it. Last evaluated 2025-12-15.

Conditions:
Vici syndrome (VICIS). Identifiers: Orphanet 1493, MedGen C1855772, MONDO:0009452, OMIM 242840.

Allele frequency attached by ClinVar (database versions not stated): gnomAD 0.00001; gnomAD exomes below 0.00001; TOPMed below 0.00001; ExAC 0.00001.
gnomAD v4.1: 5 of 1,613,460 alleles (0.00031%); highest among the groups gnomAD compares: Non-Finnish European, 0.00042%; no homozygotes.

Submissions (5):

Dasa
Classification: Pathogenic. Last evaluated: 2025-12-15. Review status: criteria provided, single submitter. Criteria: DASA Assertion Criteria. Collection method: clinical testing. Allele origin: germline.
Comment: NM_020964.3(EPG5):c.5869+1G>A affects a canonical splice site and is predicted to disrupt normal RNA splicing, leading to loss of normal protein function. Loss-of-function is an established mechanism of disease for this gene. This variant has been reported in an affected individual with related phenotype in a genotype context consistent with recessive disease (PMID: 26917586). The variant is present at low frequency in population datasets. Based on the available data, this variant is classified as pathogenic.

GeneDx
Classification: Pathogenic. Last evaluated: 2024-02-24. Review status: criteria provided, single submitter. Criteria: GeneDx Variant Classification Process June 2021. Collection method: clinical testing. Allele origin: germline. Affected: yes.
Comment: Canonical splice site variant predicted to result in a null allele in a gene for which loss of function is a known mechanism of disease; Not observed at significant frequency in large population cohorts (gnomAD); This variant is associated with the following publications: (PMID: 26917586, 28939701, 27694994)

Labcorp Genetics (formerly Invitae), Labcorp
Classification: Pathogenic for Vici syndrome. Last evaluated: 2023-07-17. Review status: criteria provided, single submitter. Criteria: Invitae Variant Classification Sherloc (09022015). Collection method: clinical testing. Allele origin: germline.
Comment: This sequence change affects a donor splice site in intron 33 of the EPG5 gene. It is expected to disrupt RNA splicing. Variants that disrupt the donor or acceptor splice site typically lead to a loss of protein function (PMID: 16199547), and loss-of-function variants in EPG5 are known to be pathogenic (PMID: 23222957, 23674064). For these reasons, this variant has been classified as Pathogenic. Algorithms developed to predict the effect of sequence changes on RNA splicing suggest that this variant may disrupt the consensus splice site. ClinVar contains an entry for this variant (Variation ID: 1175160). Disruption of this splice site has been observed in individuals with Vici syndrome (PMID: 26917586, 28939701). This variant is present in population databases (rs748670315, gnomAD 0.0009%).

Diagnostic Laboratory, Department of Genetics, University Medical Center Groningen
Classification: Likely pathogenic. Review status: no assertion criteria provided. Collection method: clinical testing. Allele origin: germline. Affected: yes. Study: VKGL Data-share Consensus. Not counted in ClinVar's aggregate classification.

Joint Genome Diagnostic Labs from Nijmegen and Maastricht, Radboudumc and MUMC+
Classification: Likely pathogenic. Review status: no assertion criteria provided. Collection method: clinical testing. Allele origin: germline. Affected: yes. Study: VKGL Data-share Consensus. Not counted in ClinVar's aggregate classification.

Literature cited by the submitters: PubMed 26917586 (cited by Dasa and Labcorp Genetics (formerly Invitae), Labcorp); PubMed 16199547 (cited by Labcorp Genetics (formerly Invitae), Labcorp); PubMed 23222957 (cited by Labcorp Genetics (formerly Invitae), Labcorp); PubMed 23674064 (cited by Labcorp Genetics (formerly Invitae), Labcorp); PubMed 28939701 (cited by Labcorp Genetics (formerly Invitae), Labcorp).